The following is an entry in ClinVar:

ClinVar aggregate classification (germline): Uncertain significance (1 of 4 stars; one submission).

Allele frequency attached by ClinVar (database versions not stated): ExAC 0.00001; gnomAD 0.00001; TOPMed 0.00001.
gnomAD v4.1: 3 of 1,613,216 alleles (0.00019%); highest among the groups gnomAD compares: African/African-American, 0.0027%; no homozygotes.

Submission:

Labcorp Genetics (formerly Invitae), Labcorp
Classification: Uncertain significance. Last evaluated: 2021-08-28. Review status: criteria provided, single submitter. Criteria: Invitae Variant Classification Sherloc (09022015). Collection method: clinical testing. Allele origin: germline.
Comment: This sequence change replaces isoleucine with threonine at codon 354 of the TYR protein (p.Ile354Thr). The isoleucine residue is moderately conserved and there is a moderate physicochemical difference between isoleucine and threonine. This variant is present in population databases (rs763127567, ExAC 0.01%). This variant has not been reported in the literature in individuals affected with TYR-related conditions. Advanced modeling of protein sequence and biophysical properties (such as structural, functional, and spatial information, amino acid conservation, physicochemical variation, residue mobility, and thermodynamic stability) performed at Invitae indicates that this missense variant is expected to disrupt TYR protein function. Algorithms developed to predict the effect of sequence changes on RNA splicing suggest that this variant may create or strengthen a splice site. In summary, the available evidence is currently insufficient to determine the role of this variant in disease. Therefore, it has been classified as a Variant of Uncertain Significance.

NM_000372.5(TYR):c.1061T>C (p.Ile354Thr)

Gene: TYR (tyrosinase; plus strand). Cytogenetic location: 11q14.3.
Variant type: single nucleotide variant.
Coding change: c.1061T>C on transcript NM_000372.5 (MANE Select); coding-DNA position 1061, T replaced by C.
Protein change: p.Ile354Thr; replaces isoleucine 354 with threonine.
Molecular consequence: missense variant.
Genome position (GRCh38, 1-based): chr11:89,227,847, T>C. VCF-style: chr11-89227847-T-C. GRCh37 (hg19) VCF-style: chr11-88961015-T-C.
Other names: short protein forms I354T.
Identifiers: ClinVar variation 1505157 (VCV001505157.5), dbSNP rs763127567, ClinGen allele CA6221340.
Genomic context (GRCh38, chr11:89,227,847, plus strand): 5'-GTAAACATATTTTTTTCATTTTTTTTTAATGAACAGGATTTGCTAGTCCACTTACTGGGA[T>C]AGCGGATGCCTCTCAAAGCAGCATGCACAATGCCTTGCACATCTATATGAATGGAACAAT-3'
Protein context (NP_000363.1, residues 344-364): LEGFASPLTG[Ile354Thr]ADASQSSMHN